The following is an entry in ClinVar:

ClinVar aggregate classification (germline): Likely benign (1 of 4 stars; one submission).

Submission:

CeGaT Center for Human Genetics Tuebingen
Classification: Likely benign. Last evaluated: 2025-06-01. Review status: criteria provided, single submitter. Criteria: CeGaT Center For Human Genetics Tuebingen Variant Classification Criteria Version 2. Collection method: clinical testing. Allele origin: germline. Affected: yes. Observed: 1 variant allele.
Comment: USP17L22: PM2:Supporting, BP4, BP7

NM_001256863.1(USP17L22):c.774C>A (p.Leu258=)

Gene: USP17L22 (ubiquitin specific peptidase 17 like family member 22; plus strand). Cytogenetic location: 4p16.1.
Variant type: single nucleotide variant.
Coding change: c.774C>A on transcript NM_001256863.1 (MANE Select); coding-DNA position 774, C replaced by A.
Protein change: p.Leu258=; no amino-acid change (leucine 258 retained).
Molecular consequence: synonymous variant.
Genome position (GRCh38, 1-based): chr4:9,268,392, C>A. VCF-style: chr4-9268392-C-A. GRCh37 (hg19) VCF-style: chr4-9270118-C-A.
Identifiers: ClinVar variation 4084849 (VCV004084849.8).